The following is an entry in ClinVar:

ClinVar aggregate classification (germline): Uncertain significance (1 of 4 stars; one submission).

Conditions:
Hereditary cancer-predisposing syndrome. Also called: Neoplastic Syndromes, Hereditary; Tumor predisposition; Hereditary neoplastic syndrome; Hereditary Cancer Syndrome. Identifiers: Orphanet 140162, MedGen C0027672, MeSH D009386, MONDO:0015356.

Submission:

Ambry Genetics
Classification: Uncertain significance for Hereditary cancer-predisposing syndrome. Last evaluated: 2023-01-03. Review status: criteria provided, single submitter. Criteria: Ambry Variant Classification Scheme 2023. Collection method: clinical testing. Allele origin: germline.
Comment: The p.P191A variant (also known as c.571C>G), located in coding exon 5 of the NBN gene, results from a C to G substitution at nucleotide position 571. The proline at codon 191 is replaced by alanine, an amino acid with highly similar properties. This amino acid position is conserved. In addition, the in silico prediction for this alteration is inconclusive. Since supporting evidence is limited at this time, the clinical significance of this alteration remains unclear.

NM_002485.5(NBN):c.571C>G (p.Pro191Ala)

Gene: NBN (nibrin; minus strand). Cytogenetic location: 8q21.3.
Variant type: single nucleotide variant.
Coding change: c.571C>G on transcript NM_002485.5 (MANE Select); coding-DNA position 571, C replaced by G.
Protein change: p.Pro191Ala; replaces proline 191 with alanine.
Molecular consequence: missense variant.
Genome position (GRCh38, 1-based): chr8:89,978,233, G>C on the plus strand (C>G on the coding strand, the complement: NBN is on the minus strand). VCF-style: chr8-89978233-G-C. GRCh37 (hg19) VCF-style: chr8-90990461-G-C.
Other names: c.325C>G, p.Pro109Ala (NM_001024688.3); short protein forms P191A, P109A.
Identifiers: ClinVar variation 2452400 (VCV002452400.2), dbSNP rs2129888034, ClinGen allele CA371660121.